The following is an entry in ClinVar:

ClinVar aggregate classification (germline): Conflicting classifications of pathogenicity. Review status: criteria provided, conflicting classifications (1 of 4 stars). 3 submissions from 3 submitters: Uncertain significance (2); Likely benign (1). Last evaluated 2026-08-04.

Conditions:
Inborn genetic diseases. Identifiers: MedGen C0950123, MeSH D030342.
Pyruvate carboxylase deficiency. Also called: LEIGH NECROTIZING ENCEPHALOPATHY DUE TO PYRUVATE CARBOXYLASE DEFICIENCY; LEIGH SYNDROME DUE TO PYRUVATE CARBOXYLASE DEFICIENCY; PC DEFICIENCY; Pyruvate Carboxylase Deficiency Disease; ATAXIA WITH LACTIC ACIDOSIS II. Identifiers: Orphanet 3008, MedGen C0034341, MONDO:0009949, OMIM 266150.

Allele frequency attached by ClinVar (database versions not stated): ExAC 0.00003; TOPMed 0.00012; gnomAD exomes 0.00003; gnomAD 0.00017 and 0.00019; ESP Exome Variant Server 0.00031.
gnomAD v4.1: 46 of 1,601,384 alleles (0.0029%); highest among the groups gnomAD compares: African/African-American, 0.047%; no homozygotes.

Submissions (3):

GeneDx
Classification: Uncertain significance. Last evaluated: 2026-08-04. Review status: criteria provided, single submitter. Criteria: GeneDx Variant Classification Process June 2021. Collection method: clinical testing. Allele origin: germline.
Comment: Has not been previously published as pathogenic or benign to our knowledge; In silico analysis supports that this missense variant does not alter protein structure/function

Labcorp Genetics (formerly Invitae), Labcorp
Classification: Likely benign for Pyruvate carboxylase deficiency. Last evaluated: 2025-02-13. Review status: criteria provided, single submitter. Criteria: Invitae Variant Classification Sherloc (09022015). Collection method: clinical testing. Allele origin: germline.

Ambry Genetics
Classification: Uncertain significance for Inborn genetic diseases. Last evaluated: 2023-12-14. Review status: criteria provided, single submitter. Criteria: Ambry Variant Classification Scheme 2023. Collection method: clinical testing. Allele origin: germline.

NM_001040716.2(PC):c.2000A>C (p.Lys667Thr)

Gene: PC (pyruvate carboxylase; minus strand). Cytogenetic location: 11q13.2.
Variant type: single nucleotide variant.
Coding change: c.2000A>C on transcript NM_001040716.2 (MANE Select); coding-DNA position 2000, A replaced by C.
Protein change: p.Lys667Thr; replaces lysine 667 with threonine.
Molecular consequence: missense variant.
Genome position (GRCh38, 1-based): chr11:66,851,263, T>G on the plus strand (A>C on the coding strand, the complement: PC is on the minus strand). VCF-style: chr11-66851263-T-G. GRCh37 (hg19) VCF-style: chr11-66618734-T-G.
Other names: c.2000A>C, p.Lys667Thr (NM_000920.4, NM_022172.3); c.2000A>C (NM_000920.3); short protein forms K667T.
Identifiers: ClinVar variation 1003224 (VCV001003224.9), dbSNP rs138760063, ClinGen allele CA6131184.